The following is an entry in ClinVar:

ClinVar aggregate classification (germline): Conflicting classifications of pathogenicity. Review status: criteria provided, conflicting classifications (1 of 4 stars). 3 submissions from 3 submitters: Uncertain significance (1); Benign (1); Likely benign (1). Last evaluated 2025-09-08.

Allele frequency attached by ClinVar (database versions not stated): 1000 Genomes Project 0.00060; 1000 Genomes Project 30x 0.00062; gnomAD 0.00115; ESP Exome Variant Server 0.00123; ExAC 0.00127.
gnomAD v4.1: 2,158 of 1,574,470 alleles (0.14%); highest among the groups gnomAD compares: Admixed American, 0.17%; 3 homozygotes.

Submissions (3):

Women's Health and Genetics/Laboratory Corporation of America, LabCorp
Classification: Likely benign. Last evaluated: 2025-09-08. Review status: criteria provided, single submitter. Criteria: LabCorp Variant Classification Summary - May 2015. Collection method: clinical testing. Allele origin: germline.

Ambry Genetics
Classification: Uncertain significance. Last evaluated: 2025-08-06. Review status: criteria provided, single submitter. Criteria: Ambry Variant Classification Scheme 2023. Collection method: clinical testing. Allele origin: germline.

CeGaT Center for Human Genetics Tuebingen
Classification: Benign. Last evaluated: 2024-02-01. Review status: criteria provided, single submitter. Criteria: CeGaT Center For Human Genetics Tuebingen Variant Classification Criteria Version 2. Collection method: clinical testing. Allele origin: germline. Affected: yes. Observed: 5 variant alleles.
Comment: DGAT2: BS1, BS2

NM_032564.5(DGAT2):c.749G>A (p.Gly250Asp)

Gene: DGAT2 (diacylglycerol O-acyltransferase 2; plus strand). Cytogenetic location: 11q13.5.
Variant type: single nucleotide variant.
Coding change: c.749G>A on transcript NM_032564.5 (MANE Select); coding-DNA position 749, G replaced by A.
Protein change: p.Gly250Asp; replaces glycine 250 with aspartic acid.
Molecular consequence: missense variant.
Genome position (GRCh38, 1-based): chr11:75,797,272, G>A. VCF-style: chr11-75797272-G-A. GRCh37 (hg19) VCF-style: chr11-75508317-G-A.
Other names: c.620G>A, p.Gly207Asp (NM_001253891.2); c.749G>A (NM_032564.3); short protein forms G207D, G250D.
Identifiers: ClinVar variation 2642161 (VCV002642161.25), dbSNP rs151179593, ClinGen allele CA6192107.